The following is an entry in ClinVar:

NM_004974.4(KCNA2):c.194G>T (p.Arg65Leu)

Gene: KCNA2 (potassium voltage-gated channel subfamily A member 2; minus strand). Cytogenetic location: 1p13.3.
Variant type: single nucleotide variant.
Coding change: c.194G>T on transcript NM_004974.4 (MANE Select); coding-DNA position 194, G replaced by T.
Protein change: p.Arg65Leu; replaces arginine 65 with leucine.
Molecular consequence: missense variant.
Genome position (GRCh38, 1-based): chr1:110,604,589, C>A on the plus strand (G>T on the coding strand, the complement: KCNA2 is on the minus strand). VCF-style: chr1-110604589-C-A. GRCh37 (hg19) VCF-style: chr1-111147211-C-A.
Other names: c.194G>T (NM_004974.3); c.194G>T, p.Arg65Leu (NM_001204269.2); short protein forms R65L.
Identifiers: ClinVar variation 4709773 (VCV004709773.2).
Genomic context (GRCh38, chr1:110,604,589, plus strand): 5'-AAGCTAGGGCGGTTCCGATCGAAAAAGTACTCATTTCGGAGGGGGTCAAAGTACCTCATT[C>A]GTTTCTTTGGGTCCCCTAAGAGGGTCTCTGGAAACTGGGCTAAGGTCTTTAGCTGGGTCT-3'
Protein context (NP_004965.1, residues 55-75): PETLLGDPKK[Arg65Leu]MRYFDPLRNE

ClinVar aggregate classification (germline): Uncertain significance. Review status: criteria provided, multiple submitters, no conflicts (2 of 4 stars). 2 submissions from 2 submitters: Uncertain significance (2). Last evaluated 2026-04-17.

Conditions:
Developmental and epileptic encephalopathy, 32 (DEE32). Also called: Epileptic encephalopathy, early infantile, 32. Identifiers: Orphanet 442835, MedGen C4225350, MONDO:0014607, OMIM 616366.

Submissions (2):

GeneDx
Classification: Uncertain significance. Last evaluated: 2026-04-17. Review status: criteria provided, single submitter. Criteria: GeneDx Variant Classification Process June 2021. Collection method: clinical testing. Allele origin: germline.
Comment: Not observed at significant frequency in large population cohorts (gnomAD); In silico analysis supports that this missense variant has a deleterious effect on protein structure/function; Has not been previously published as pathogenic or benign to our knowledge

Labcorp Genetics (formerly Invitae), Labcorp
Classification: Uncertain significance for Developmental and epileptic encephalopathy, 32. Last evaluated: 2026-01-09. Review status: criteria provided, single submitter. Criteria: Invitae Variant Classification Sherloc (09022015). Collection method: clinical testing. Allele origin: germline.
Comment: This sequence change replaces arginine, which is basic and polar, with leucine, which is neutral and non-polar, at codon 65 of the KCNA2 protein (p.Arg65Leu). This variant is not present in population databases (gnomAD no frequency). This variant has not been reported in the literature in individuals affected with KCNA2-related conditions. Invitae Evidence Modeling of protein sequence and biophysical properties (such as structural, functional, and spatial information, amino acid conservation, physicochemical variation, residue mobility, and thermodynamic stability) indicates that this missense variant is not expected to disrupt KCNA2 protein function with a negative predictive value of 95%. In summary, the available evidence is currently insufficient to determine the role of this variant in disease. Therefore, it has been classified as a Variant of Uncertain Significance.